The following is an entry in ClinVar:

NM_001042492.3(NF1):c.519T>A (p.Asp173Glu)

Gene: NF1 (neurofibromin 1; plus strand). Cytogenetic location: 17q11.2.
Variant type: single nucleotide variant.
Coding change: c.519T>A on transcript NM_001042492.3 (MANE Select); coding-DNA position 519, T replaced by A.
Protein change: p.Asp173Glu; replaces aspartic acid 173 with glutamic acid.
Molecular consequence: missense variant.
Genome position (GRCh38, 1-based): chr17:31,169,930, T>A. VCF-style: chr17-31169930-T-A. GRCh37 (hg19) VCF-style: chr17-29496948-T-A.
Other names: c.519T>A, p.Asp173Glu (NM_000267.4, NM_001128147.3); short protein forms D173E.
Identifiers: ClinVar variation 4119172 (VCV004119172.1).

ClinVar aggregate classification (germline): Uncertain significance (1 of 4 stars; one submission).

Conditions:
Cardiovascular phenotype. Identifiers: MedGen CN230736.
Hereditary cancer-predisposing syndrome. Also called: Hereditary neoplastic syndrome; Neoplastic Syndromes, Hereditary; Tumor predisposition; Hereditary Cancer Syndrome. Identifiers: Orphanet 140162, MedGen C0027672, MeSH D009386, MONDO:0015356.

Submission:

Ambry Genetics
Classification: Uncertain significance for Cardiovascular phenotype; Hereditary cancer-predisposing syndrome. Last evaluated: 2025-08-29. Review status: criteria provided, single submitter. Criteria: Ambry Variant Classification Scheme 2023. Collection method: clinical testing. Allele origin: germline.
Comment: The p.D173E variant (also known as c.519T>A), located in coding exon 5 of the NF1 gene, results from a T to A substitution at nucleotide position 519. The aspartic acid at codon 173 is replaced by glutamic acid, an amino acid with highly similar properties. This amino acid position is conserved. In addition, the in silico prediction for this alteration is inconclusive. Based on the available evidence, the clinical significance of this variant remains unclear.